The following is an entry in ClinVar:

NM_006231.4(POLE):c.6239C>T (p.Ser2080Phe)

Gene: POLE (DNA polymerase epsilon, catalytic subunit; minus strand). Cytogenetic location: 12q24.33.
Variant type: single nucleotide variant.
Coding change: c.6239C>T on transcript NM_006231.4 (MANE Select); coding-DNA position 6239, C replaced by T.
Protein change: p.Ser2080Phe; replaces serine 2080 with phenylalanine.
Molecular consequence: missense variant.
Genome position (GRCh38, 1-based): chr12:132,632,406, G>A on the plus strand (C>T on the coding strand, the complement: POLE is on the minus strand). VCF-style: chr12-132632406-G-A. GRCh37 (hg19) VCF-style: chr12-133208992-G-A.
Other names: c.6239C>T (NM_006231.2); short protein forms S2080F.
Identifiers: ClinVar variation 2846187 (VCV002846187.4), dbSNP rs2541854035, ClinGen allele CA387369576.

ClinVar aggregate classification (germline): Uncertain significance. Review status: criteria provided, multiple submitters, no conflicts (2 of 4 stars). 2 submissions from 2 submitters: Uncertain significance (2). Last evaluated 2026-04-19.

Conditions:
Hereditary cancer-predisposing syndrome. Also called: Hereditary neoplastic syndrome; Neoplastic Syndromes, Hereditary; Tumor predisposition; Hereditary Cancer Syndrome. Identifiers: Orphanet 140162, MedGen C0027672, MeSH D009386, MONDO:0015356.

Submissions (2):

Ambry Genetics
Classification: Uncertain significance for Hereditary cancer-predisposing syndrome. Last evaluated: 2026-04-19. Review status: criteria provided, single submitter. Criteria: Ambry Variant Classification Scheme 2023. Collection method: clinical testing. Allele origin: germline.
Comment: The p.S2080F variant (also known as c.6239C>T), located in coding exon 45 of the POLE gene, results from a C to T substitution at nucleotide position 6239. The serine at codon 2080 is replaced by phenylalanine, an amino acid with highly dissimilar properties. This amino acid position is conserved. In addition, this alteration is predicted to be tolerated by in silico analysis. Based on the available evidence, the clinical significance of this variant remains unclear.

Labcorp Genetics (formerly Invitae), Labcorp
Classification: Uncertain significance. Last evaluated: 2023-03-16. Review status: criteria provided, single submitter. Criteria: Invitae Variant Classification Sherloc (09022015). Collection method: clinical testing. Allele origin: germline.
Comment: In summary, the available evidence is currently insufficient to determine the role of this variant in disease. Therefore, it has been classified as a Variant of Uncertain Significance. Advanced modeling of protein sequence and biophysical properties (such as structural, functional, and spatial information, amino acid conservation, physicochemical variation, residue mobility, and thermodynamic stability) performed at Invitae indicates that this missense variant is not expected to disrupt POLE protein function. This variant has not been reported in the literature in individuals affected with POLE-related conditions. This variant is not present in population databases (gnomAD no frequency). This sequence change replaces serine, which is neutral and polar, with phenylalanine, which is neutral and non-polar, at codon 2080 of the POLE protein (p.Ser2080Phe).